The following is an entry in ClinVar:

NM_000026.4(ADSL):c.886C>T (p.Arg296Trp)

Gene: ADSL (adenylosuccinate lyase; plus strand). Cytogenetic location: 22q13.1.
Variant type: single nucleotide variant.
Coding change: c.886C>T on transcript NM_000026.4 (MANE Select); coding-DNA position 886, C replaced by T.
Protein change: p.Arg296Trp; replaces arginine 296 with tryptophan.
Molecular consequence: missense variant. On other transcripts: non-coding transcript variant (1).
Genome position (GRCh38, 1-based): chr22:40,361,511, C>T. VCF-style: chr22-40361511-C-T. GRCh37 (hg19) VCF-style: chr22-40757515-C-T.
Other names: c.886C>T, p.Arg296Trp (NM_001123378.3, NM_001363840.3); c.694C>T, p.Arg232Trp (NM_001317923.2); short protein forms R296W, R232W.
Identifiers: ClinVar variation 450065 (VCV000450065.20), dbSNP rs536254357, ClinGen allele CA10247865.

ClinVar aggregate classification (germline): Conflicting classifications of pathogenicity. Review status: criteria provided, conflicting classifications (1 of 4 stars). 6 submissions from 6 submitters: Likely pathogenic (1); Uncertain significance (5). Last evaluated 2025-12-09.

Conditions:
Inborn genetic diseases. Identifiers: MedGen C0950123, MeSH D030342.
Adenylosuccinate lyase deficiency (ADSLD). Also called: ADSL DEFICIENCY. Identifiers: Orphanet 46, MedGen C0268126, MONDO:0007068, OMIM 103050.

Allele frequency attached by ClinVar (database versions not stated): gnomAD 0.00004 and 0.00005; TOPMed 0.00004; gnomAD exomes 0.00012 and 0.00013; ExAC 0.00013; 1000 Genomes Project 30x 0.00031; 1000 Genomes Project 0.00040.
gnomAD v4.1: 176 of 1,614,198 alleles (0.011%); highest among the groups gnomAD compares: South Asian, 0.057%; no homozygotes.

Submissions (6):

GeneDx
Classification: Likely pathogenic. Last evaluated: 2025-12-09. Review status: criteria provided, single submitter. Criteria: GeneDx Variant Classification Process June 2021. Collection method: clinical testing. Allele origin: germline. Affected: yes.
Comment: In silico analysis supports that this missense variant has a deleterious effect on protein structure/function; This variant is associated with the following publications: (PMID: 37842880, 37011034)

Women's Health and Genetics/Laboratory Corporation of America, LabCorp
Classification: Uncertain significance. Last evaluated: 2025-09-04. Review status: criteria provided, single submitter. Criteria: LabCorp Variant Classification Summary - May 2015. Collection method: clinical testing. Allele origin: germline.
Comment: Variant summary: ADSL c.886C>T (p.Arg296Trp) results in a non-conservative amino acid change in the encoded protein sequence. Algorithms developed to predict the effect of missense changes on protein structure and function all suggest that this variant is likely to be disruptive. The variant allele was found at a frequency of 0.00013 in 251446 control chromosomes. This frequency is not significantly higher than estimated for disease-causing variants in ADSL, allowing no conclusion about variant significance. c.886C>T has been observed in individual(s) affected with Adenylosuccinate Lyase Deficiency (Cutillo_2024). These data do not allow any conclusion about variant significance. To our knowledge, no experimental evidence demonstrating an impact on protein function has been reported. The following publication have been ascertained in the context of this evaluation (PMID: 37842880). ClinVar contains an entry for this variant (Variation ID: 450065). Based on the evidence outlined above, the variant was classified as uncertain significance.

Blueprint Genetics
Classification: Uncertain significance. Last evaluated: 2023-02-14. Review status: criteria provided, single submitter. Criteria: ACMG Guidelines, 2015. Collection method: clinical testing. Allele origin: germline.

Ambry Genetics
Classification: Uncertain significance for Inborn genetic diseases. Last evaluated: 2022-04-08. Review status: criteria provided, single submitter. Criteria: Ambry Variant Classification Scheme 2023. Collection method: clinical testing. Allele origin: germline.

Labcorp Genetics (formerly Invitae), Labcorp
Classification: Uncertain significance for Adenylosuccinate lyase deficiency. Last evaluated: 2022-02-28. Review status: criteria provided, single submitter. Criteria: Invitae Variant Classification Sherloc (09022015). Collection method: clinical testing. Allele origin: germline.
Comment: This sequence change replaces arginine, which is basic and polar, with tryptophan, which is neutral and slightly polar, at codon 296 of the ADSL protein (p.Arg296Trp). This variant is present in population databases (rs536254357, gnomAD 0.07%). This variant has not been reported in the literature in individuals affected with ADSL-related conditions. ClinVar contains an entry for this variant (Variation ID: 450065). Algorithms developed to predict the effect of missense changes on protein structure and function (SIFT, PolyPhen-2, Align-GVGD) all suggest that this variant is likely to be disruptive. In summary, the available evidence is currently insufficient to determine the role of this variant in disease. Therefore, it has been classified as a Variant of Uncertain Significance.

Genetic Services Laboratory, University of Chicago
Classification: Uncertain significance. Last evaluated: 2017-08-21. Review status: criteria provided, single submitter. Criteria: ACMG Guidelines, 2015. Collection method: clinical testing. Allele origin: germline. Affected: no.

Literature cited by the submitters: PubMed 37842880 (cited by Women's Health and Genetics/Laboratory Corporation of America, LabCorp).